The following is an entry in ClinVar:

NM_004736.4(XPR1):c.551C>T (p.Pro184Leu)

Gene: XPR1 (xenotropic and polytropic retrovirus receptor 1; plus strand). Cytogenetic location: 1q25.3.
Variant type: single nucleotide variant.
Coding change: c.551C>T on transcript NM_004736.4 (MANE Select); coding-DNA position 551, C replaced by T.
Protein change: p.Pro184Leu; replaces proline 184 with leucine.
Molecular consequence: missense variant. On other transcripts: non-coding transcript variant (1).
Genome position (GRCh38, 1-based): chr1:180,806,165, C>T. VCF-style: chr1-180806165-C-T. GRCh37 (hg19) VCF-style: chr1-180775301-C-T.
Other names: c.551C>T, p.Pro184Leu (NM_001135669.2, NM_001328662.2); short protein forms P184L.
Identifiers: ClinVar variation 4775201 (VCV004775201.1).

ClinVar aggregate classification (germline): Uncertain significance (1 of 4 stars; one submission).

gnomAD v4.1: 32 of 1,613,390 alleles (0.002%); highest among the groups gnomAD compares: Non-Finnish European, 0.0027%; no homozygotes.

Submission:

Labcorp Genetics (formerly Invitae), Labcorp
Classification: Uncertain significance. Last evaluated: 2025-03-05. Review status: criteria provided, single submitter. Criteria: Invitae Variant Classification Sherloc (09022015). Collection method: clinical testing. Allele origin: germline.
Comment: This sequence change replaces proline, which is neutral and non-polar, with leucine, which is neutral and non-polar, at codon 184 of the XPR1 protein (p.Pro184Leu). This variant is not present in population databases (gnomAD no frequency). This variant has not been reported in the literature in individuals affected with XPR1-related conditions. Invitae Evidence Modeling of protein sequence and biophysical properties (such as structural, functional, and spatial information, amino acid conservation, physicochemical variation, residue mobility, and thermodynamic stability) indicates that this missense variant is not expected to disrupt XPR1 protein function with a negative predictive value of 80%. In summary, the available evidence is currently insufficient to determine the role of this variant in disease. Therefore, it has been classified as a Variant of Uncertain Significance.